The following is an entry in ClinVar:

NM_014491.4(FOXP2):c.307C>T (p.Gln103Ter)

Gene: FOXP2 (forkhead box P2; plus strand). Cytogenetic location: 7q31.1.
Variant type: single nucleotide variant.
Coding change: c.307C>T on transcript NM_014491.4 (MANE Select); coding-DNA position 307, C replaced by T.
Protein change: p.Gln103Ter; replaces glutamine 103 with a stop codon.
Molecular consequence: nonsense. On other transcripts: non-coding transcript variant (2).
Genome position (GRCh38, 1-based): chr7:114,628,588, C>T. VCF-style: chr7-114628588-C-T. GRCh37 (hg19) VCF-style: chr7-114268643-C-T.
Other names: c.307C>T, p.Gln103Ter (NM_001172766.3, NM_148899.3, NM_148900.4); c.382C>T, p.Gln128Ter (NM_001172767.2, NM_148898.4); short protein forms Q103*, Q128*.
Identifiers: ClinVar variation 4819020 (VCV004819020.1).
Genomic context (GRCh38, chr7:114,628,588, plus strand): 5'-TTTCTGTGCAAGGTGCCTGTGTCAGTGGCCATGATGACTCCCCAGGTGATCACCCCTCAG[C>T]AAATGCAGCAGATCCTTCAGCAACAAGTCCTGTCTCCTCAGCAGCTACAAGCCCTTCTCC-3'

ClinVar aggregate classification (germline): Pathogenic (1 of 4 stars; one submission).

Conditions:
Childhood apraxia of speech (SPCH1). Also called: DEVELOPMENTAL VERBAL DYSPRAXIA; SPEECH AND LANGUAGE DISORDER WITH OROFACIAL DYSPRAXIA; FOXP2-Related Speech and Language Disorder; Speech language disorder. Identifiers: Orphanet 209908, MedGen C0750927, MONDO:0011184, OMIM 602081.

Submission:

Victorian Clinical Genetics Services, Murdoch Childrens Research Institute
Classification: Pathogenic for Childhood apraxia of speech. Last evaluated: 2026-02-04. Review status: criteria provided, single submitter. Criteria: ACMG Guidelines, 2015. Collection method: clinical testing. Allele origin: germline. Affected: yes.
Comment: This variant is classified as Pathogenic. Evidence in support of pathogenic classification: Variant is predicted to cause nonsense-mediated decay (NMD) and loss of protein (premature termination codon is located at least 54 nucleotides upstream of the final exon-exon junction); Variant is absent from gnomAD (v2, v3 and v4); Other NMD-predicted variants comparable to the one identified in this case have very strong previous evidence for pathogenicity (DECIPHER); Additional information: This variant is heterozygous; This gene is associated with autosomal dominant disease; This variant has no previous evidence of pathogenicity; No published evidence of segregation with disease has been identified for this variant; No published functional evidence has been identified for this variant; Loss of function is a known mechanism of disease in this gene and is associated with speech-language disorder-1 (MIM#602081).